The following is an entry in ClinVar:

NM_003073.5(SMARCB1):c.35A>C (p.Gln12Pro)

Gene: SMARCB1 (SWI/SNF related BAF chromatin remodeling complex subunit B1; plus strand). Cytogenetic location: 22q11.23.
Variant type: single nucleotide variant.
Coding change: c.35A>C on transcript NM_003073.5 (MANE Select); coding-DNA position 35, A replaced by C.
Protein change: p.Gln12Pro; replaces glutamine 12 with proline.
Molecular consequence: missense variant.
Genome position (GRCh38, 1-based): chr22:23,787,204, A>C. VCF-style: chr22-23787204-A-C. GRCh37 (hg19) VCF-style: chr22-24129391-A-C.
Other names: c.35A>C, p.Gln12Pro (NM_001007468.3, NM_001317946.2, NM_001362877.2); short protein forms Q12P.
Identifiers: ClinVar variation 1733059 (VCV001733059.2), dbSNP rs2517652580, ClinGen allele CA410930609.

ClinVar aggregate classification (germline): Uncertain significance (1 of 4 stars; one submission).

Conditions:
Hereditary cancer-predisposing syndrome. Also called: Neoplastic Syndromes, Hereditary; Tumor predisposition; Hereditary Cancer Syndrome; Hereditary neoplastic syndrome. Identifiers: Orphanet 140162, MedGen C0027672, MeSH D009386, MONDO:0015356.

Submission:

Ambry Genetics
Classification: Uncertain significance for Hereditary cancer-predisposing syndrome. Last evaluated: 2020-06-22. Review status: criteria provided, single submitter. Criteria: Ambry Variant Classification Scheme 2023. Collection method: clinical testing. Allele origin: germline.
Comment: The p.Q12P variant (also known as c.35A>C), located in coding exon 1 of the SMARCB1 gene, results from an A to C substitution at nucleotide position 35. The glutamine at codon 12 is replaced by proline, an amino acid with similar properties. This amino acid position is highly conserved in available vertebrate species. In addition, the in silico prediction for this alteration is inconclusive. Since supporting evidence is limited at this time, the clinical significance of this alteration remains unclear.